The following is an entry in ClinVar:

NM_005027.4(PIK3R2):c.1157A>G (p.His386Arg)

Gene: PIK3R2 (phosphoinositide-3-kinase regulatory subunit 2; plus strand). Cytogenetic location: 19p13.11.
Variant type: single nucleotide variant.
Coding change: c.1157A>G on transcript NM_005027.4 (MANE Select); coding-DNA position 1157, A replaced by G.
Protein change: p.His386Arg; replaces histidine 386 with arginine.
Molecular consequence: missense variant. On other transcripts: non-coding transcript variant (2).
Genome position (GRCh38, 1-based): chr19:18,163,014, A>G. VCF-style: chr19-18163014-A-G. GRCh37 (hg19) VCF-style: chr19-18273824-A-G.
Other names: short protein forms H386R.
Identifiers: ClinVar variation 1437179 (VCV001437179.6), dbSNP rs750258489, ClinGen allele CA9306943.

ClinVar aggregate classification (germline): Uncertain significance (1 of 4 stars; one submission).

Conditions:
Megalencephaly-polymicrogyria-postaxial polydactyly-hydrocephalus syndrome. Also called: MPPH Syndrome; MEG-PMG-MEGACC SYNDROME. Identifiers: Orphanet 83473, MedGen C1863924, MONDO:0019375.

Allele frequency attached by ClinVar (database versions not stated): gnomAD exomes below 0.00001; TOPMed below 0.00001; ExAC 0.00001; gnomAD 0.00001.
gnomAD v4.1: 8 of 1,613,782 alleles (0.0005%); highest among the groups gnomAD compares: Admixed American, 0.0017%; no homozygotes.

Submission:

Labcorp Genetics (formerly Invitae), Labcorp
Classification: Uncertain significance for Megalencephaly-polymicrogyria-postaxial polydactyly-hydrocephalus syndrome. Last evaluated: 2024-10-30. Review status: criteria provided, single submitter. Criteria: Invitae Variant Classification Sherloc (09022015). Collection method: clinical testing. Allele origin: germline.
Comment: This sequence change replaces histidine, which is basic and polar, with arginine, which is basic and polar, at codon 386 of the PIK3R2 protein (p.His386Arg). This variant is present in population databases (rs750258489, gnomAD 0.003%). This variant has not been reported in the literature in individuals affected with PIK3R2-related conditions. ClinVar contains an entry for this variant (Variation ID: 1437179). Invitae Evidence Modeling of protein sequence and biophysical properties (such as structural, functional, and spatial information, amino acid conservation, physicochemical variation, residue mobility, and thermodynamic stability) indicates that this missense variant is not expected to disrupt PIK3R2 protein function with a negative predictive value of 80%. In summary, the available evidence is currently insufficient to determine the role of this variant in disease. Therefore, it has been classified as a Variant of Uncertain Significance.